The following is an entry in ClinVar:

ClinVar aggregate classification (germline): Conflicting classifications of pathogenicity. Review status: criteria provided, conflicting classifications (1 of 4 stars). 5 submissions from 5 submitters: Uncertain significance (3); Likely benign (1). 1 of the submissions does not count toward it. Last evaluated 2025-09-08.

Conditions:
NOTCH1-related disorder. Also called: NOTCH1-related condition; NOTCH1-related disorders.
Adams-Oliver syndrome 5 (AOS5). Identifiers: Orphanet 974, MedGen C4014970, MONDO:0014459, OMIM 616028.
Familial thoracic aortic aneurysm and aortic dissection (TAAD). Also called: Thoracic aortic aneurysms and dissections. Identifiers: Orphanet 91387, MedGen C4707243, MONDO:0019625.

Allele frequency attached by ClinVar (database versions not stated): TOPMed 0.00002; gnomAD 0.00003; ESP Exome Variant Server 0.00008.
gnomAD v4.1: 17 of 1,610,694 alleles (0.0011%); highest among the groups gnomAD compares: East Asian, 0.0045%; no homozygotes.

Submissions (5):

Women's Health and Genetics/Laboratory Corporation of America, LabCorp
Classification: Uncertain significance. Last evaluated: 2025-09-08. Review status: criteria provided, single submitter. Criteria: LabCorp Variant Classification Summary - May 2015. Collection method: clinical testing. Allele origin: germline.
Comment: Variant summary: NOTCH1 c.6770C>T (p.Ala2257Val) results in a non-conservative amino acid change in the encoded protein sequence. Algorithms developed to predict the effect of missense changes on protein structure and function are either unavailable or do not agree on the potential impact of this missense change. The variant allele was found at a frequency of 1.3e-05 in 238118 control chromosomes (gnomAD). The available data on variant occurrences in the general population are insufficient to allow any conclusion about variant significance. c.6770C>T has been observed in one individual affected with Marfan syndrome (Renner_2019). The report does not provide unequivocal conclusions about association of the variant with Adams-Oliver Syndrome 5. To our knowledge, no experimental evidence demonstrating an impact on protein function has been reported. The following publications has been ascertained in the context of this evaluation (PMID: 30675029). ClinVar contains an entry for this variant (Variation ID: 1163913). Based on the evidence outlined above, the variant was classified as uncertain significance.

Labcorp Genetics (formerly Invitae), Labcorp
Classification: Likely benign for Adams-Oliver syndrome 5. Last evaluated: 2025-06-20. Review status: criteria provided, single submitter. Criteria: Invitae Variant Classification Sherloc (09022015). Collection method: clinical testing. Allele origin: germline.

Ambry Genetics
Classification: Uncertain significance for Familial thoracic aortic aneurysm and aortic dissection. Last evaluated: 2022-02-14. Review status: criteria provided, single submitter. Criteria: Ambry Variant Classification Scheme 2023. Collection method: clinical testing. Allele origin: germline.
Comment: The p.A2257V variant (also known as c.6770C>T), located in coding exon 34 of the NOTCH1 gene, results from a C to T substitution at nucleotide position 6770. The alanine at codon 2257 is replaced by valine, an amino acid with similar properties. This amino acid position is conserved. In addition, this alteration is predicted to be tolerated by in silico analysis. Since supporting evidence is limited at this time, the clinical significance of this alteration remains unclear.

Mayo Clinic Laboratories, Mayo Clinic
Classification: Uncertain significance. Last evaluated: 2019-07-28. Review status: criteria provided, single submitter. Criteria: ACMG Guidelines, 2015. Collection method: clinical testing. Allele origin: germline. Observed: 1 variant allele.

PreventionGenetics, part of Exact Sciences
Classification: Uncertain significance for NOTCH1-related condition. Last evaluated: 2024-04-11. Review status: no assertion criteria provided. Collection method: clinical testing. Allele origin: germline. Not counted in ClinVar's aggregate classification.
Comment: The NOTCH1 c.6770C>T variant is predicted to result in the amino acid substitution p.Ala2257Val. This variant was reported in an individual with Marfan syndrome in the presence of a pathogenic variant in FBN1 (Table S6, Renner et al. 2019. PubMed ID: 30675029). This variant is reported in 0.0028% of alleles in individuals of European (Non-Finnish) descent in gnomAD. At this time, the clinical significance of this variant is uncertain due to the absence of conclusive functional and genetic evidence.

Literature cited by the submitters: PubMed 24943832 (cited by Women's Health and Genetics/Laboratory Corporation of America, LabCorp); PubMed 16614245 (cited by Women's Health and Genetics/Laboratory Corporation of America, LabCorp); PubMed 21670202 (cited by Women's Health and Genetics/Laboratory Corporation of America, LabCorp); PubMed 22210878 (cited by Women's Health and Genetics/Laboratory Corporation of America, LabCorp); PubMed 19635999 (cited by Women's Health and Genetics/Laboratory Corporation of America, LabCorp); PubMed 26837699 (cited by Women's Health and Genetics/Laboratory Corporation of America, LabCorp); PubMed 23086750 (cited by Women's Health and Genetics/Laboratory Corporation of America, LabCorp); PubMed 19245433 (cited by Women's Health and Genetics/Laboratory Corporation of America, LabCorp); PubMed 22077063 (cited by Women's Health and Genetics/Laboratory Corporation of America, LabCorp); PubMed 15472075 (cited by Women's Health and Genetics/Laboratory Corporation of America, LabCorp); PubMed 23734977 (cited by Women's Health and Genetics/Laboratory Corporation of America, LabCorp); PubMed 22858860 (cited by Women's Health and Genetics/Laboratory Corporation of America, LabCorp); PubMed 30675029 (cited by Women's Health and Genetics/Laboratory Corporation of America, LabCorp).

NM_017617.5(NOTCH1):c.6770C>T (p.Ala2257Val)

Gene: NOTCH1 (notch receptor 1; minus strand). Cytogenetic location: 9q34.3.
Variant type: single nucleotide variant.
Coding change: c.6770C>T on transcript NM_017617.5 (MANE Select); coding-DNA position 6770, C replaced by T.
Protein change: p.Ala2257Val; replaces alanine 2257 with valine.
Molecular consequence: missense variant.
Genome position (GRCh38, 1-based): chr9:136,496,969, G>A on the plus strand (C>T on the coding strand, the complement: NOTCH1 is on the minus strand). VCF-style: chr9-136496969-G-A. GRCh37 (hg19) VCF-style: chr9-139391421-G-A.
Other names: c.6770C>T (NM_017617.4); short protein forms A2257V.
Identifiers: ClinVar variation 1163913 (VCV001163913.13), dbSNP rs377112509, ClinGen allele CA5339823.